The following is an entry in ClinVar:

NM_014362.4(HIBCH):c.1004C>T (p.Ala335Val)

Gene: HIBCH (3-hydroxyisobutyryl-CoA hydrolase; minus strand). Cytogenetic location: 2q32.2.
Variant type: single nucleotide variant.
Coding change: c.1004C>T on transcript NM_014362.4 (MANE Select); coding-DNA position 1004, C replaced by T.
Protein change: p.Ala335Val; replaces alanine 335 with valine.
Molecular consequence: missense variant.
Genome position (GRCh38, 1-based): chr2:190,212,963, G>A on the plus strand (C>T on the coding strand, the complement: HIBCH is on the minus strand). VCF-style: chr2-190212963-G-A. GRCh37 (hg19) VCF-style: chr2-191077689-G-A.
Other names: c.1004C>T, p.Ala335Val (NM_198047.3); short protein forms A335V.
Identifiers: ClinVar variation 2189624 (VCV002189624.4), dbSNP rs765879254, ClinGen allele CA2027411.

ClinVar aggregate classification (germline): Uncertain significance. Review status: criteria provided, multiple submitters, no conflicts (2 of 4 stars). 2 submissions from 2 submitters: Uncertain significance (2). Last evaluated 2024-01-12.

Conditions:
3-hydroxyisobutyryl-CoA hydrolase deficiency. Also called: HIBCH DEFICIENCY; Reduced circulating 3-hydroxyisobutyryl-CoA hydrolase activity; Deficiency of 3-hydroxyisobutyryl CoA hydrolase; METHACRYLIC ACID TOXICITY; METHACRYLIC ACIDURIA; VALINE METABOLIC DEFECT. Identifiers: Orphanet 88639, MedGen C0342738, MONDO:0009603, OMIM 250620, HP:6000215.

Allele frequency attached by ClinVar (database versions not stated): gnomAD exomes 0.00001; ExAC 0.00004; gnomAD 0.00004; TOPMed 0.00007.
gnomAD v4.1: 21 of 1,610,454 alleles (0.0013%); highest among the groups gnomAD compares: East Asian, 0.04%; no homozygotes.

Submissions (2):

Blueprint Genetics
Classification: Uncertain significance. Last evaluated: 2024-01-12. Review status: criteria provided, single submitter. Criteria: ACMG Guidelines, 2015. Collection method: clinical testing. Allele origin: germline.

Labcorp Genetics (formerly Invitae), Labcorp
Classification: Uncertain significance for 3-hydroxyisobutyryl-CoA hydrolase deficiency. Last evaluated: 2022-05-27. Review status: criteria provided, single submitter. Criteria: Invitae Variant Classification Sherloc (09022015). Collection method: clinical testing. Allele origin: germline.
Comment: This sequence change replaces alanine, which is neutral and non-polar, with valine, which is neutral and non-polar, at codon 335 of the HIBCH protein (p.Ala335Val). In summary, the available evidence is currently insufficient to determine the role of this variant in disease. Therefore, it has been classified as a Variant of Uncertain Significance. Algorithms developed to predict the effect of missense changes on protein structure and function (SIFT, PolyPhen-2, Align-GVGD) all suggest that this variant is likely to be tolerated. This variant has not been reported in the literature in individuals affected with HIBCH-related conditions. This variant is present in population databases (rs765879254, gnomAD 0.05%).